The following is an entry in ClinVar:

ClinVar aggregate classification (germline): Uncertain significance (1 of 4 stars; one submission).

Conditions:
Inborn genetic diseases. Identifiers: MedGen C0950123, MeSH D030342.

Submission:

Ambry Genetics
Classification: Uncertain significance for Inborn genetic diseases. Last evaluated: 2026-03-11. Review status: criteria provided, single submitter. Criteria: Ambry Variant Classification Scheme 2023. Collection method: clinical testing. Allele origin: germline.
Comment: The p.S192Y variant (also known as c.575C>A), located in coding exon 5 of the HAX1 gene, results from a C to A substitution at nucleotide position 575. The serine at codon 192 is replaced by tyrosine, an amino acid with dissimilar properties. This amino acid position is conserved. In addition, the in silico prediction for this alteration is inconclusive. Based on the available evidence, the clinical significance of this variant remains unclear.

NM_006118.4(HAX1):c.575C>A (p.Ser192Tyr)

Gene: HAX1 (HCLS1 associated protein X-1; plus strand). Cytogenetic location: 1q21.3.
Variant type: single nucleotide variant.
Coding change: c.575C>A on transcript NM_006118.4 (MANE Select); coding-DNA position 575, C replaced by A.
Protein change: p.Ser192Tyr; replaces serine 192 with tyrosine.
Molecular consequence: missense variant.
Genome position (GRCh38, 1-based): chr1:154,275,172, C>A. VCF-style: chr1-154275172-C-A. GRCh37 (hg19) VCF-style: chr1-154247648-C-A.
Other names: c.431C>A, p.Ser144Tyr (NM_001018837.2); short protein forms S192Y, S144Y.
Identifiers: ClinVar variation 4826683 (VCV004826683.1).